The following is an entry in ClinVar:

ClinVar aggregate classification (germline): Likely benign. Review status: criteria provided, multiple submitters, no conflicts (2 of 4 stars). 4 submissions from 4 submitters: Likely benign (4). Last evaluated 2026-05-01.

Conditions:
EGFR-related lung cancer (EGFR). Identifiers: MedGen CN130014.
Hereditary cancer-predisposing syndrome. Also called: Neoplastic Syndromes, Hereditary; Tumor predisposition; Hereditary neoplastic syndrome; Hereditary Cancer Syndrome. Identifiers: Orphanet 140162, MedGen C0027672, MeSH D009386, MONDO:0015356.

Allele frequency attached by ClinVar (database versions not stated): TOPMed 0.00002; gnomAD 0.00003.
gnomAD v4.1: 7 of 1,614,100 alleles (0.00043%); highest among the groups gnomAD compares: African/African-American, 0.0093%; no homozygotes.

Submissions (4):

CeGaT Center for Human Genetics Tuebingen
Classification: Likely benign. Last evaluated: 2026-05-01. Review status: criteria provided, single submitter. Criteria: CeGaT Center For Human Genetics Tuebingen Variant Classification Criteria Version 2. Collection method: clinical testing. Allele origin: germline. Affected: yes. Observed: 1 variant allele.
Comment: EGFR: BP4, BP7

Labcorp Genetics (formerly Invitae), Labcorp
Classification: Likely benign for EGFR-related lung cancer. Last evaluated: 2026-01-06. Review status: criteria provided, single submitter. Criteria: Invitae Variant Classification Sherloc (09022015). Collection method: clinical testing. Allele origin: germline.

Ambry Genetics
Classification: Likely benign for Hereditary cancer-predisposing syndrome. Last evaluated: 2025-07-12. Review status: criteria provided, single submitter. Criteria: Ambry Variant Classification Scheme 2023. Collection method: clinical testing. Allele origin: germline.

Sema4
Classification: Likely benign for Hereditary cancer-predisposing syndrome. Last evaluated: 2021-09-29. Review status: criteria provided, single submitter. Criteria: Sema4 Curation Guidelines. Collection method: curation. Allele origin: germline.

NM_005228.5(EGFR):c.1251C>T (p.Leu417=)

Gene: EGFR (epidermal growth factor receptor; plus strand). Cytogenetic location: 7p11.2.
Variant type: single nucleotide variant.
Coding change: c.1251C>T on transcript NM_005228.5 (MANE Select); coding-DNA position 1251, C replaced by T.
Protein change: p.Leu417=; no amino-acid change (leucine 417 retained).
Molecular consequence: synonymous variant.
Genome position (GRCh38, 1-based): chr7:55,157,706, C>T. VCF-style: chr7-55157706-C-T. GRCh37 (hg19) VCF-style: chr7-55225399-C-T.
Other names: c.1116C>T, p.Leu372= (NM_001346897.2, NM_001346899.2); c.1251C>T, p.Leu417= (NM_001346898.2, NM_201282.2, NM_201284.2); c.1092C>T, p.Leu364= (NM_001346900.2); c.450C>T, p.Leu150= (NM_001346941.2).
Identifiers: ClinVar variation 1116296 (VCV001116296.13), dbSNP rs767070097, ClinGen allele CA4265537.
Genomic context (GRCh38, chr7:55,157,706, plus strand): 5'-TTTCATCTGCCTTACAGGGTTTTTGCTGATTCAGGCTTGGCCTGAAAACAGGACGGACCT[C>T]CATGCCTTTGAGAACCTAGAAATCATACGCGGCAGGACCAAGCAACAGTAAGTTGACCAC-3'
Protein context (NP_005219.2, residues 407-427): IQAWPENRTD[Leu417=]HAFENLEIIR